The following is an entry in ClinVar:

ClinVar aggregate classification (germline): Uncertain significance (1 of 4 stars; one submission).

Conditions:
Mowat-Wilson syndrome (MOWS). Also called: Classic Mowat-Wilson Syndrome. Identifiers: Orphanet 2152, MedGen C1856113, MONDO:0009341, OMIM 235730.

Submission:

Juno Genomics, Hangzhou Juno Genomics, Inc
Classification: Uncertain significance for Mowat-Wilson syndrome. Review status: criteria provided, single submitter. Criteria: ACMG Guidelines, 2015. Collection method: clinical testing. Allele origin: germline.
Comment: Absent from controls (or at extremely low frequency if recessive) in Genome Aggregation Database.;Null variant in a gene where loss of function (LOF) is a known mechanism of disease.

NM_014795.4(ZEB2):c.2T>A (p.Met1Lys)

Gene: ZEB2 (zinc finger E-box binding homeobox 2; minus strand). Cytogenetic location: 2q22.3.
Variant type: single nucleotide variant.
Coding change: c.2T>A on transcript NM_014795.4 (MANE Select); coding-DNA position 2, T replaced by A.
Protein change: p.Met1Lys; changes the start codon (methionine 1).
Molecular consequence: missense variant, initiator codon variant. On other transcripts: non-coding transcript variant (1).
Genome position (GRCh38, 1-based): chr2:144,517,349, A>T on the plus strand (T>A on the coding strand, the complement: ZEB2 is on the minus strand). VCF-style: chr2-144517349-A-T. GRCh37 (hg19) VCF-style: chr2-145274916-A-T.
Other names: c.2T>A, p.Met1Lys (NM_001171653.2); short protein forms M1K.
Identifiers: ClinVar variation 5006079 (VCV005006079.2).